The following is an entry in ClinVar:

ClinVar aggregate classification (germline): Uncertain significance (1 of 4 stars; one submission).

Submission:

CeGaT Center for Human Genetics Tuebingen
Classification: Uncertain significance. Last evaluated: 2022-11-01. Review status: criteria provided, single submitter. Criteria: CeGaT Center For Human Genetics Tuebingen Variant Classification Criteria Version 2. Collection method: clinical testing. Allele origin: germline. Affected: yes. Observed: 2 variant alleles.
Comment: PCDH19: PM1, PM2, BP4

NM_001184880.2(PCDH19):c.1355A>C (p.His452Pro)

Gene: PCDH19 (protocadherin 19; minus strand). Cytogenetic location: Xq22.1.
Variant type: single nucleotide variant.
Coding change: c.1355A>C on transcript NM_001184880.2 (MANE Select); coding-DNA position 1355, A replaced by C.
Protein change: p.His452Pro; replaces histidine 452 with proline.
Molecular consequence: missense variant.
Genome position (GRCh38, 1-based): chrX:100,407,243, T>G on the plus strand (A>C on the coding strand, the complement: PCDH19 is on the minus strand). VCF-style: chrX-100407243-T-G. GRCh37 (hg19) VCF-style: chrX-99662241-T-G.
Other names: c.1355A>C, p.His452Pro (NM_001105243.2, NM_020766.3); short protein forms H452P.
Identifiers: ClinVar variation 444820 (VCV000444820.43), dbSNP rs777851773, ClinGen allele CA414002906.